The following is an entry in ClinVar:

ClinVar aggregate classification (germline): Pathogenic (1 of 4 stars; one submission).

Conditions:
Frontotemporal dementia and/or amyotrophic lateral sclerosis 4. Also called: FTDALS4. Identifiers: Orphanet 275872, MedGen C4225325, MONDO:0014641, OMIM 616439.

Submission:

Labcorp Genetics (formerly Invitae), Labcorp
Classification: Pathogenic for Frontotemporal dementia and/or amyotrophic lateral sclerosis 4. Last evaluated: 2022-02-22. Review status: criteria provided, single submitter. Criteria: Invitae Variant Classification Sherloc (09022015). Collection method: clinical testing. Allele origin: germline.
Comment: For these reasons, this variant has been classified as Pathogenic. This variant has not been reported in the literature in individuals affected with TBK1-related conditions. This variant is not present in population databases (gnomAD no frequency). This sequence change creates a premature translational stop signal (p.Ala412Leufs*7) in the TBK1 gene. It is expected to result in an absent or disrupted protein product. Loss-of-function variants in TBK1 are known to be pathogenic (PMID: 25803835, 26476236, 26581300).

Literature cited by the submitters: PubMed 25803835; PubMed 26476236; PubMed 26581300.

NM_013254.4(TBK1):c.1234del (p.Ala412fs)

Gene: TBK1 (TANK binding kinase 1; plus strand). Cytogenetic location: 12q14.2.
Variant type: Deletion.
Coding change: c.1234del on transcript NM_013254.4 (MANE Select); coding-DNA position 1234, one base deleted (G; older notation c.1234delG).
Protein change: p.Ala412fs; shifts the reading frame from alanine 412.
Molecular consequence: frameshift variant.
Genome position (GRCh38, 1-based): chr12:64,485,499, G deleted. VCF-style (leftmost placement, unchanged base first): chr12-64485498-TG-T. GRCh37 (hg19) VCF-style: chr12-64879278-TG-T.
Other names: short protein forms A412fs.
Identifiers: ClinVar variation 2101601 (VCV002101601.4), dbSNP rs2539519111, ClinGen allele CA2580086626.